The following is an entry in ClinVar:

ClinVar aggregate classification (germline): Uncertain significance. Review status: criteria provided, multiple submitters, no conflicts (2 of 4 stars). 2 submissions from 2 submitters: Uncertain significance (2). Last evaluated 2025-07-02.

Conditions:
Melnick-Needles syndrome (MNS). Also called: OSTEODYSPLASTY OF MELNICK AND NEEDLES; MELNICK-NEEDLES OSTEODYSPLASTY; Melnick-Needles Syndrome (FLNA-MNS). Identifiers: Orphanet 2484, MedGen C0025237, MONDO:0010650, OMIM 309350.
Heterotopia, periventricular, X-linked dominant (PVNH1). Also called: PERIVENTRICULAR NODULAR HETEROTOPIA 1; PERIVENTRICULAR NODULAR HETEROTOPIA 4; HETEROTOPIA, PERIVENTRICULAR, 1; X-linked periventricular heterotopia. Identifiers: Orphanet 2149, Orphanet 82004, MedGen C1848213, MONDO:0010233, OMIM 300049.
Oto-palato-digital syndrome, type II (OPD2). Also called: FACIOPALATOOSSEOUS SYNDROME; OPD II SYNDROME; Otopalatodigital Syndrome, Type II; Otopalatodigital Syndrome Type 2 (FLNA-OPD2). Identifiers: Orphanet 669, Orphanet 90652, MedGen C1844696, MONDO:0010571, OMIM 304120.
Frontometaphyseal dysplasia (FMD1). Identifiers: Orphanet 1826, MedGen C0265293, MONDO:0015942.

Allele frequency attached by ClinVar (database versions not stated): gnomAD exomes below 0.00001; TOPMed below 0.00001.
gnomAD v4.1: 3 of 1,211,599 alleles (0.00025%); highest among the groups gnomAD compares: East Asian, 0.003%; no homozygotes.

Submissions (2):

Labcorp Genetics (formerly Invitae), Labcorp
Classification: Uncertain significance for Oto-palato-digital syndrome, type II; Heterotopia, periventricular, X-linked dominant; Frontometaphyseal dysplasia; Melnick-Needles syndrome. Last evaluated: 2025-07-02. Review status: criteria provided, single submitter. Criteria: Invitae Variant Classification Sherloc (09022015). Collection method: clinical testing. Allele origin: germline.
Comment: This sequence change replaces glutamic acid, which is acidic and polar, with lysine, which is basic and polar, at codon 1113 of the FLNA protein (p.Glu1113Lys). This variant is not present in population databases (gnomAD no frequency). This variant has not been reported in the literature in individuals affected with FLNA-related conditions. ClinVar contains an entry for this variant (Variation ID: 652815). Invitae Evidence Modeling of protein sequence and biophysical properties (such as structural, functional, and spatial information, amino acid conservation, physicochemical variation, residue mobility, and thermodynamic stability) indicates that this missense variant is not expected to disrupt FLNA protein function with a negative predictive value of 95%. In summary, the available evidence is currently insufficient to determine the role of this variant in disease. Therefore, it has been classified as a Variant of Uncertain Significance.

GeneDx
Classification: Uncertain significance. Last evaluated: 2024-12-26. Review status: criteria provided, single submitter. Criteria: GeneDx Variant Classification Process June 2021. Collection method: clinical testing. Allele origin: germline.
Comment: In silico analysis supports that this missense variant has a deleterious effect on protein structure/function; Not observed at significant frequency in large population cohorts (gnomAD); Has not been previously published as pathogenic or benign to our knowledge

NM_001110556.2(FLNA):c.3337G>A (p.Glu1113Lys)

Gene: FLNA (filamin A; minus strand). Cytogenetic location: Xq28.
Variant type: single nucleotide variant.
Coding change: c.3337G>A on transcript NM_001110556.2 (MANE Select); coding-DNA position 3337, G replaced by A.
Protein change: p.Glu1113Lys; replaces glutamic acid 1113 with lysine.
Molecular consequence: missense variant.
Genome position (GRCh38, 1-based): chrX:154,360,458, C>T on the plus strand (G>A on the coding strand, the complement: FLNA is on the minus strand). VCF-style: chrX-154360458-C-T. GRCh37 (hg19) VCF-style: chrX-153588826-C-T.
Other names: c.3337G>A, p.Glu1113Lys (NM_001456.4); short protein forms E1113K.
Identifiers: ClinVar variation 652815 (VCV000652815.12), dbSNP rs1222602089, ClinGen allele CA415228516.
Genomic context (GRCh38, chrX:154,360,458, plus strand): 5'-CCCCGGGCTCGGTGGGCACGTAGGACACGGAACATGTGCCATCCCCATTGTCCAAGCACT[C>T]GAGCTGCGCCTCACAGGGGCCCTCCACCGTCAGGCCCAGGCCACCTGTGCCGGCGCCCTT-3'
Protein context (NP_001104026.1, residues 1103-1123): TVEGPCEAQL[Glu1113Lys]CLDNGDGTCS